The following is an entry in ClinVar:

NM_183381.3(RNF13):c.916A>G (p.Thr306Ala)

Gene: RNF13 (ring finger protein 13; plus strand). Cytogenetic location: 3q25.1.
Variant type: single nucleotide variant.
Coding change: c.916A>G on transcript NM_183381.3 (MANE Select); coding-DNA position 916, A replaced by G.
Protein change: p.Thr306Ala; replaces threonine 306 with alanine.
Molecular consequence: missense variant. On other transcripts: non-coding transcript variant (1).
Genome position (GRCh38, 1-based): chr3:149,960,874, A>G. VCF-style: chr3-149960874-A-G. GRCh37 (hg19) VCF-style: chr3-149678661-A-G.
Other names: c.916A>G, p.Thr306Ala (NM_001378285.1, NM_001378286.1, NM_007282.4); c.559A>G, p.Thr187Ala (NM_001378287.1, NM_001378288.1, NM_001378289.1 and 2 more transcripts); c.523A>G, p.Thr175Ala (NM_001378291.1); short protein forms T175A, T187A, T306A.
Identifiers: ClinVar variation 1954546 (VCV001954546.5), dbSNP rs2473635462, ClinGen allele CA354935900.

ClinVar aggregate classification (germline): Uncertain significance (1 of 4 stars; one submission).

Submission:

Labcorp Genetics (formerly Invitae), Labcorp
Classification: Uncertain significance. Last evaluated: 2022-06-14. Review status: criteria provided, single submitter. Criteria: Invitae Variant Classification Sherloc (09022015). Collection method: clinical testing. Allele origin: germline.
Comment: This sequence change replaces threonine, which is neutral and polar, with alanine, which is neutral and non-polar, at codon 306 of the RNF13 protein (p.Thr306Ala). This variant is not present in population databases (gnomAD no frequency). This variant has not been reported in the literature in individuals affected with RNF13-related conditions. Algorithms developed to predict the effect of missense changes on protein structure and function (SIFT, PolyPhen-2, Align-GVGD) all suggest that this variant is likely to be tolerated. In summary, the available evidence is currently insufficient to determine the role of this variant in disease. Therefore, it has been classified as a Variant of Uncertain Significance.